The following is an entry in ClinVar:

NM_178335.3(CCDC50):c.112+67C>T

Gene: CCDC50 (coiled-coil domain containing 50; plus strand). Cytogenetic location: 3q28.
Variant type: single nucleotide variant.
Coding change: c.112+67C>T on transcript NM_178335.3 (MANE Select); 67 bases into the intron after coding-DNA position 112, C replaced by T.
Molecular consequence: intron variant.
Genome position (GRCh38, 1-based): chr3:191,357,217, C>T. VCF-style: chr3-191357217-C-T. GRCh37 (hg19) VCF-style: chr3-191075006-C-T.
Other names: c.112+67C>T (NM_174908.4).
Identifiers: ClinVar variation 682038 (VCV000682038.1), dbSNP rs116785872, ClinGen allele CA89772403.

ClinVar aggregate classification (germline): Likely benign (1 of 4 stars; one submission).

Allele frequency attached by ClinVar (database versions not stated): gnomAD exomes 0.00115; gnomAD 0.01079 and 0.01164; ESP Exome Variant Server 0.01095; 1000 Genomes Project 0.01118; 1000 Genomes Project 30x 0.01265; TOPMed 0.01278.
gnomAD v4.1: 3,006 of 1,275,878 alleles (0.24%); highest among the groups gnomAD compares: African/African-American, 3.9%; 48 homozygotes.

Submission:

GeneDx
Classification: Likely benign. Last evaluated: 2018-06-16. Review status: criteria provided, single submitter. Criteria: GeneDx Variant Classification (06012015). Collection method: clinical testing. Allele origin: germline. Affected: yes.
Comment: This variant is considered likely benign or benign based on one or more of the following criteria: it is a conservative change, it occurs at a poorly conserved position in the protein, it is predicted to be benign by multiple in silico algorithms, and/or has population frequency not consistent with disease.